The following is an entry in ClinVar:

ClinVar aggregate classification (germline): Uncertain significance (1 of 4 stars; one submission).

Conditions:
Epilepsy, X-linked 1, with variable learning disabilities and behavior disorders. Also called: X-linked epilepsy-learning disabilities-behavior disorders syndrome. Identifiers: Orphanet 85294, MedGen C5774177, MONDO:0010339, OMIM 300491.

Submission:

Labcorp Genetics (formerly Invitae), Labcorp
Classification: Uncertain significance for Epilepsy, X-linked 1, with variable learning disabilities and behavior disorders. Last evaluated: 2024-12-04. Review status: criteria provided, single submitter. Criteria: Invitae Variant Classification Sherloc (09022015). Collection method: clinical testing. Allele origin: germline.
Comment: This sequence change replaces serine, which is neutral and polar, with isoleucine, which is neutral and non-polar, at codon 663 of the SYN1 protein (p.Ser663Ile). This variant is not present in population databases (gnomAD no frequency). This variant has not been reported in the literature in individuals affected with SYN1-related conditions. Experimental studies and prediction algorithms are not available or were not evaluated, and the functional significance of this variant is currently unknown. In summary, the available evidence is currently insufficient to determine the role of this variant in disease. Therefore, it has been classified as a Variant of Uncertain Significance.

NM_006950.3(SYN1):c.2026G>T (p.Ala676Ser)

Gene: SYN1 (synapsin I; minus strand). Cytogenetic location: Xp11.3.
Variant type: single nucleotide variant.
Coding change: c.2026G>T on transcript NM_006950.3 (MANE Select); coding-DNA position 2026, G replaced by T.
Protein change: p.Ala676Ser; replaces alanine 676 with serine.
Molecular consequence: missense variant.
Genome position (GRCh38, 1-based): chrX:47,572,956, C>A on the plus strand (G>T on the coding strand, the complement: SYN1 is on the minus strand). VCF-style: chrX-47572956-C-A. GRCh37 (hg19) VCF-style: chrX-47432355-C-A.
Other names: c.1988G>T, p.Ser663Ile (NM_133499.2); short protein forms S663I, A676S.
Identifiers: ClinVar variation 3725770 (VCV003725770.2).